The following is an entry in ClinVar:

ClinVar aggregate classification (germline): Uncertain significance (1 of 4 stars; one submission).

Conditions:
Intellectual developmental disorder, autosomal recessive 59. Also called: Intellectual disability, autosomal recessive 59. Identifiers: MedGen C4310619, MONDO:0015020, OMIM 617323.

Allele frequency attached by ClinVar (database versions not stated): gnomAD exomes 0.00003 and 0.00014; ExAC 0.00012; gnomAD 0.00014 and 0.00015; ESP Exome Variant Server 0.00008; TOPMed 0.00010; 1000 Genomes Project 0.00040; 1000 Genomes Project 30x 0.00047.
gnomAD v4.1: 78 of 1,612,556 alleles (0.0048%); highest among the groups gnomAD compares: East Asian, 0.071%; no homozygotes.

Submission:

Baylor Genetics
Classification: Uncertain significance for Intellectual developmental disorder, autosomal recessive 59. Last evaluated: 2018-03-12. Review status: criteria provided, single submitter. Criteria: ACMG Guidelines, 2015. Collection method: clinical testing. Allele origin: unknown. Affected: yes.
Comment: This variant was determined to be of uncertain significance according to ACMG Guidelines, 2015 [PMID:25741868].

NM_005536.4(IMPA1):c.379G>C (p.Glu127Gln)

Gene: IMPA1 (inositol monophosphatase 1; minus strand). Cytogenetic location: 8q21.13.
Variant type: single nucleotide variant.
Coding change: c.379G>C on transcript NM_005536.4 (MANE Select); coding-DNA position 379, G replaced by C.
Protein change: p.Glu127Gln; replaces glutamic acid 127 with glutamine.
Molecular consequence: missense variant.
Genome position (GRCh38, 1-based): chr8:81,673,919, C>G on the plus strand (G>C on the coding strand, the complement: IMPA1 is on the minus strand). VCF-style: chr8-81673919-C-G. GRCh37 (hg19) VCF-style: chr8-82586154-C-G.
Other names: c.556G>C, p.Glu186Gln (NM_001144878.2); c.379G>C, p.Glu127Gln (NM_001144879.2); short protein forms E127Q, E186Q.
Identifiers: ClinVar variation 1031546 (VCV001031546.1), dbSNP rs376742471, ClinGen allele CA4792604.